The following is an entry in ClinVar:

ClinVar aggregate classification (germline): Pathogenic (1 of 4 stars; one submission).

Conditions:
Severe myoclonic epilepsy in infancy (DRVT). Also called: Epileptic encephalopathy, early infantile, 6 (Dravet syndrome); SEVERE MYOCLONIC EPILEPSY OF INFANCY; DEVELOPMENTAL AND EPILEPTIC ENCEPHALOPATHY 6A; Severe Myoclonic Epilepsy in Infancy (SMEI); Dravet syndrome. Identifiers: Orphanet 33069, MedGen C0751122, MONDO:0100135, OMIM 607208.

Submission:

Center for Bioinformatics, Peking University
Classification: Pathogenic for Dravet syndrome. Last evaluated: 2014-12-20. Review status: criteria provided, single submitter. Criteria: Xu et al. (Hum Mutat. 2015). Collection method: research. Allele origin: de novo. Affected: yes. Observed: 1 variant allele. Study: University Clinical Cooperation “985 Project” PKU-2014-1-1.
Comment: Dravet syndrome (DS) probands were recruited from the outpatient and inpatient child neurology units of Peking University First Hospital from 2005 till present. The study was approved by the Ethics Committee of Peking University First Hospital and the Institutional Review Board at Peking University. Participants or their parents provided written informed consent before enrollment. We collected a total of 267 mutations from 255 families with probands diagnosed with DS in China. All probands fulfilled the clinical diagnostic criteria.

NM_001165963.4(SCN1A):c.5349_5352dup (p.Ile1785fs)

Genes: SCN1A (sodium voltage-gated channel alpha subunit 1; minus strand), LOC102724058 (uncharacterized LOC102724058; plus strand). Cytogenetic location: 2q24.3.
Variant type: Duplication.
Coding change: c.5349_5352dup on transcript NM_001165963.4 (MANE Select); coding-DNA positions 5349 to 5352, 4 bases duplicated (GGTC; older notation c.5349_5352dupGGTC).
Protein change: p.Ile1785fs; shifts the reading frame from isoleucine 1785.
Molecular consequence: frameshift variant. On other transcripts: non-coding transcript variant (1).
Genome position (GRCh38, 1-based): chr2:165,991,923-165,991,926, GACC duplicated on the plus strand (GGTC on the coding strand, the reverse complement: SCN1A is on the minus strand); duplicating any 4 consecutive bases within chr2:165,991,923-165,991,927 gives the same sequence; the c. name uses the placement nearest the transcript's 3' end. VCF-style (leftmost placement, unchanged base first): chr2-165991922-T-TGACC. GRCh37 (hg19) VCF-style: chr2-166848432-T-TGACC.
Other names: c.5265_5268dup, p.Ile1757fs (NM_001165964.3, NM_001353957.2, NM_001353958.2); c.5349_5352dup, p.Ile1785fs (NM_001202435.3, NM_001353948.2); c.5316_5319dup, p.Ile1774fs (NM_001353949.2, NM_001353950.2, NM_001353951.2 and 2 more transcripts); c.5313_5316dup, p.Ile1773fs (NM_001353954.2, NM_001353955.2); c.5262_5265dup, p.Ile1756fs (NM_001353960.2); c.2907_2910dup, p.Ile971fs (NM_001353961.2); short protein forms I1756fs, I1757fs, I1773fs, I1774fs, I971fs, I1785fs.
Identifiers: ClinVar variation 189898 (VCV000189898.1), dbSNP rs794726741, ClinGen allele CA303245.
Genomic context (GRCh38, chr2:165,991,922, plus strand): 5'-AGTCATCCTCACTCAGAGGCTCTGCACTTTCTTCAGTAGCAACACTGAAGTTCTCCAGGA[T>TGACC]GACCGCGATGTACATGTTCACCACAACCAGGAAGGATATGATGATGTAACTGACAAAAAA-3'